The following is an entry in ClinVar:

ClinVar aggregate classification (germline): Uncertain significance (1 of 4 stars; one submission).

Conditions:
Pseudohypoaldosteronism type 2C (PHA2C). Also called: Pseudohypoaldosteronism Type IIC. Identifiers: Orphanet 757, Orphanet 88940, MedGen C1840391, MONDO:0013778, OMIM 614492.
Neuropathy, hereditary sensory and autonomic, type 2A (HSAN2A). Also called: ACROOSTEOLYSIS, GIACCAI TYPE; ACROOSTEOLYSIS, NEUROGENIC; MORVAN DISEASE; NEUROPATHY, CONGENITAL SENSORY; NEUROPATHY, HEREDITARY SENSORY RADICULAR, AUTOSOMAL RECESSIVE; NEUROPATHY, HEREDITARY SENSORY, TYPE IIA. Identifiers: Orphanet 970, MedGen C2752089, MONDO:0024309, OMIM 201300.

Allele frequency attached by ClinVar (database versions not stated): ExAC 0.00001; gnomAD 0.00001; TOPMed 0.00002.
gnomAD v4.1: 3 of 1,613,830 alleles (0.00019%); highest among the groups gnomAD compares: African/African-American, 0.004%; no homozygotes.

Submission:

Labcorp Genetics (formerly Invitae), Labcorp
Classification: Uncertain significance for Neuropathy, hereditary sensory and autonomic, type 2A; Pseudohypoaldosteronism type 2C. Last evaluated: 2022-06-27. Review status: criteria provided, single submitter. Criteria: Invitae Variant Classification Sherloc (09022015). Collection method: clinical testing. Allele origin: germline.
Comment: In summary, the available evidence is currently insufficient to determine the role of this variant in disease. Therefore, it has been classified as a Variant of Uncertain Significance. Advanced modeling of protein sequence and biophysical properties (such as structural, functional, and spatial information, amino acid conservation, physicochemical variation, residue mobility, and thermodynamic stability) performed at Invitae indicates that this missense variant is not expected to disrupt WNK1 protein function. ClinVar contains an entry for this variant (Variation ID: 860609). This variant has not been reported in the literature in individuals affected with WNK1-related conditions. This variant is present in population databases (rs754778552, gnomAD 0.007%). This sequence change replaces glycine, which is neutral and non-polar, with aspartic acid, which is acidic and polar, at codon 1067 of the WNK1 protein (p.Gly1067Asp).

NM_213655.5(WNK1):c.3200G>A (p.Gly1067Asp)

Gene: WNK1 (WNK lysine deficient protein kinase 1; plus strand). Cytogenetic location: 12p13.33.
Variant type: single nucleotide variant.
Coding change: c.3200G>A on transcript NM_213655.5 (MANE Plus Clinical); coding-DNA position 3200, G replaced by A.
Protein change: p.Gly1067Asp; replaces glycine 1067 with aspartic acid.
Molecular consequence: missense variant. On other transcripts: intron variant (2).
Genome position (GRCh38, 1-based): chr12:868,671, G>A. VCF-style: chr12-868671-G-A. GRCh37 (hg19) VCF-style: chr12-977837-G-A.
Other names: c.2945G>A, p.Gly982Asp (NM_001184985.2); c.2140-2594G>A (NM_018979.4, NM_014823.3); short protein forms G1067D, G982D.
Identifiers: ClinVar variation 860609 (VCV000860609.9), dbSNP rs754778552, ClinGen allele CA6382309.